The following is an entry in ClinVar:

NM_000548.5(TSC2):c.4257G>C (p.Gln1419His)

Gene: TSC2 (TSC complex subunit 2; plus strand). Cytogenetic location: 16p13.3.
Variant type: single nucleotide variant.
Coding change: c.4257G>C on transcript NM_000548.5 (MANE Select); coding-DNA position 4257, G replaced by C.
Protein change: p.Gln1419His; replaces glutamine 1419 with histidine.
Molecular consequence: missense variant.
Genome position (GRCh38, 1-based): chr16:2,084,479, G>C. VCF-style: chr16-2084479-G-C. GRCh37 (hg19) VCF-style: chr16-2134480-G-C.
Other names: c.4056G>C, p.Gln1352His (NM_001077183.3); c.4188G>C, p.Gln1396His (NM_001114382.3); c.3948G>C, p.Gln1316His (NM_001318827.2); c.3912G>C, p.Gln1304His (NM_001318829.2); c.3525G>C, p.Gln1175His (NM_001318831.2); c.4089G>C, p.Gln1363His (NM_001318832.2); c.4059G>C, p.Gln1353His (NM_001363528.2); c.4125G>C, p.Gln1375His (NM_001370404.1); and 1 more; short protein forms Q1419H, Q1316H, Q1396H, Q1304H, Q1375H, Q1175H, Q1352H, Q1353H.
Identifiers: ClinVar variation 535918 (VCV000535918.16), dbSNP rs1403321543, ClinGen allele CA394300490.

ClinVar aggregate classification (germline): Uncertain significance. Review status: criteria provided, multiple submitters, no conflicts (2 of 4 stars). 4 submissions from 4 submitters: Uncertain significance (4). Last evaluated 2024-11-26.

Conditions:
Tuberous sclerosis 2 (TSC2). Identifiers: Orphanet 805, MedGen C1860707, MONDO:0013199, OMIM 613254.
Hereditary cancer-predisposing syndrome. Also called: Neoplastic Syndromes, Hereditary; Tumor predisposition; Hereditary Cancer Syndrome; Hereditary neoplastic syndrome. Identifiers: Orphanet 140162, MedGen C0027672, MeSH D009386, MONDO:0015356.

Allele frequency attached by ClinVar (database versions not stated): TOPMed below 0.00001; gnomAD 0.00001.
gnomAD v4.1: 4 of 1,609,350 alleles (0.00025%); highest among the groups gnomAD compares: Non-Finnish European, 0.00025%; no homozygotes.

Submissions (4):

Ambry Genetics
Classification: Uncertain significance for Hereditary cancer-predisposing syndrome. Last evaluated: 2024-11-26. Review status: criteria provided, single submitter. Criteria: Ambry Variant Classification Scheme 2023. Collection method: clinical testing. Allele origin: germline.
Comment: The p.Q1419H variant (also known as c.4257G>C), located in coding exon 33 of the TSC2 gene, results from a G to C substitution at nucleotide position 4257. The glutamine at codon 1419 is replaced by histidine, an amino acid with highly similar properties. This amino acid position is well conserved in available vertebrate species. In addition, the in silico prediction for this alteration is inconclusive. Based on the available evidence, the clinical significance of this variant remains unclear.

Labcorp Genetics (formerly Invitae), Labcorp
Classification: Uncertain significance for Tuberous sclerosis 2. Last evaluated: 2024-04-03. Review status: criteria provided, single submitter. Criteria: Invitae Variant Classification Sherloc (09022015). Collection method: clinical testing. Allele origin: germline.
Comment: This sequence change replaces glutamine, which is neutral and polar, with histidine, which is basic and polar, at codon 1419 of the TSC2 protein (p.Gln1419His). This variant is not present in population databases (gnomAD no frequency). This variant has not been reported in the literature in individuals affected with TSC2-related conditions. ClinVar contains an entry for this variant (Variation ID: 535918). Advanced modeling of protein sequence and biophysical properties (such as structural, functional, and spatial information, amino acid conservation, physicochemical variation, residue mobility, and thermodynamic stability) performed at Invitae indicates that this missense variant is not expected to disrupt TSC2 protein function with a negative predictive value of 95%. In summary, the available evidence is currently insufficient to determine the role of this variant in disease. Therefore, it has been classified as a Variant of Uncertain Significance.

Genome-Nilou Lab
Classification: Uncertain significance for Tuberous sclerosis 2. Last evaluated: 2021-11-07. Review status: criteria provided, single submitter. Criteria: ACMG Guidelines, 2015. Collection method: clinical testing. Allele origin: germline. Affected: no.

GeneDx
Classification: Uncertain significance. Last evaluated: 2020-06-30. Review status: criteria provided, single submitter. Criteria: GeneDx Variant Classification Process June 2021. Collection method: clinical testing. Allele origin: germline. Affected: yes.
Comment: In silico analysis supports that this missense variant does not alter protein structure/function; Has not been previously published as pathogenic or benign to our knowledge